The following is an entry in ClinVar:

NM_001112741.2(KCNC1):c.744C>G (p.Ile248Met)

Gene: KCNC1 (potassium voltage-gated channel subfamily C member 1; plus strand). Cytogenetic location: 11p15.1.
Variant type: single nucleotide variant.
Coding change: c.744C>G on transcript NM_001112741.2 (MANE Select); coding-DNA position 744, C replaced by G.
Protein change: p.Ile248Met; replaces isoleucine 248 with methionine.
Molecular consequence: missense variant.
Genome position (GRCh38, 1-based): chr11:17,771,838, C>G. VCF-style: chr11-17771838-C-G. GRCh37 (hg19) VCF-style: chr11-17793385-C-G.
Other names: c.744C>G, p.Ile248Met (NM_004976.4); short protein forms I248M.
Identifiers: ClinVar variation 3686485 (VCV003686485.2).
Genomic context (GRCh38, chr11:17,771,838, plus strand): 5'-CAATGGCACGCAAGTGCGCTACTACCGGGAGGCCGAGACGGAGGCCTTCCTTACCTACAT[C>G]GAGGGCGTCTGTGTGGTCTGGTTCACCTTCGAGTTCCTCATGCGTGTCATCTTCTGCCCC-3'
Protein context (NP_001106212.1, residues 238-258): EAETEAFLTY[Ile248Met]EGVCVVWFTF

ClinVar aggregate classification (germline): Uncertain significance (1 of 4 stars; one submission).

Conditions:
Progressive myoclonic epilepsy type 7. Identifiers: Orphanet 435438, MedGen C4015420, MONDO:0014521, OMIM 616187.

Submission:

Labcorp Genetics (formerly Invitae), Labcorp
Classification: Uncertain significance for Progressive myoclonic epilepsy type 7. Last evaluated: 2024-06-24. Review status: criteria provided, single submitter. Criteria: Invitae Variant Classification Sherloc (09022015). Collection method: clinical testing. Allele origin: germline.
Comment: This sequence change replaces isoleucine, which is neutral and non-polar, with methionine, which is neutral and non-polar, at codon 248 of the KCNC1 protein (p.Ile248Met). This variant is not present in population databases (gnomAD no frequency). This variant has not been reported in the literature in individuals affected with KCNC1-related conditions. Advanced modeling of protein sequence and biophysical properties (such as structural, functional, and spatial information, amino acid conservation, physicochemical variation, residue mobility, and thermodynamic stability) performed at Invitae indicates that this missense variant is not expected to disrupt KCNC1 protein function with a negative predictive value of 80%. In summary, the available evidence is currently insufficient to determine the role of this variant in disease. Therefore, it has been classified as a Variant of Uncertain Significance.